The following is an entry in ClinVar:

ClinVar aggregate classification (germline): Likely pathogenic (1 of 4 stars; one submission).

Conditions:
Familial focal epilepsy with variable foci (FPEVF). Identifiers: Orphanet 98820, MedGen C1858477, MONDO:0020310.

Submission:

Labcorp Genetics (formerly Invitae), Labcorp
Classification: Likely pathogenic for Familial focal epilepsy with variable foci. Last evaluated: 2025-10-27. Review status: criteria provided, single submitter. Criteria: Invitae Variant Classification Sherloc (09022015). Collection method: clinical testing. Allele origin: germline.
Comment: This sequence change affects an acceptor splice site in intron 15 of the DEPDC5 gene. It is expected to disrupt RNA splicing. Variants that disrupt the donor or acceptor splice site typically lead to a loss of protein function (PMID: 16199547), and loss-of-function variants in DEPDC5 are known to be pathogenic (PMID: 23542697, 23542701). This variant is not present in population databases (gnomAD no frequency). This variant has not been reported in the literature in individuals affected with DEPDC5-related conditions. Algorithms developed to predict the effect of sequence changes on RNA splicing suggest that this variant may disrupt the consensus splice site. In summary, the currently available evidence indicates that the variant is pathogenic, but additional data are needed to prove that conclusively. Therefore, this variant has been classified as Likely Pathogenic.

Literature cited by the submitters: PubMed 16199547; PubMed 23542697; PubMed 23542701.

NM_001242896.3(DEPDC5):c.1082-1G>A

Gene: DEPDC5 (DEP domain containing 5, GATOR1 subcomplex subunit; plus strand). Cytogenetic location: 22q12.3.
Variant type: single nucleotide variant.
Coding change: c.1082-1G>A on transcript NM_001242896.3 (MANE Select); the canonical splice acceptor site of the intron before coding-DNA position 1082, G replaced by A.
Molecular consequence: splice acceptor variant.
Genome position (GRCh38, 1-based): chr22:31,804,161, G>A. VCF-style: chr22-31804161-G-A. GRCh37 (hg19) VCF-style: chr22-32200147-G-A.
Other names: c.1082-1G>A (NM_001364318.2, NM_001136029.4, NM_014662.6 and 7 more transcripts); c.998-1G>A (NM_001369902.1, NM_001369901.1).
Identifiers: ClinVar variation 4730063 (VCV004730063.1).